The following is an entry in ClinVar:

NM_000229.2(LCAT):c.1028T>G (p.Leu343Arg)

Gene: LCAT (lecithin-cholesterol acyltransferase; minus strand). Cytogenetic location: 16q22.1.
Variant type: single nucleotide variant.
Coding change: c.1028T>G on transcript NM_000229.2 (MANE Select); coding-DNA position 1028, T replaced by G.
Protein change: p.Leu343Arg; replaces leucine 343 with arginine.
Molecular consequence: missense variant.
Genome position (GRCh38, 1-based): chr16:67,940,199, A>C on the plus strand (T>G on the coding strand, the complement: LCAT is on the minus strand). VCF-style: chr16-67940199-A-C. GRCh37 (hg19) VCF-style: chr16-67974102-A-C.
Other names: short protein forms L343R.
Identifiers: ClinVar variation 1314357 (VCV001314357.2), dbSNP rs1407723697, ClinGen allele CA396375834.

ClinVar aggregate classification (germline): Uncertain significance (1 of 4 stars; one submission).

Allele frequency attached by ClinVar (database versions not stated): TOPMed below 0.00001; gnomAD 0.00001; gnomAD exomes 0.00001.

Submission:

GeneDx
Classification: Uncertain significance. Last evaluated: 2021-04-05. Review status: criteria provided, single submitter. Criteria: GeneDx Variant Classification Process June 2021. Collection method: clinical testing. Allele origin: germline. Affected: yes.
Comment: Has not been previously published as pathogenic or benign to our knowledge; Observed in cis with c.1027 C>A in 3/280846 (0.001%) alleles in the gnomAD dataset (Lek et al., 2016); In silico analysis supports that this missense variant has a deleterious effect on protein structure/function